The following is an entry in ClinVar:

ClinVar aggregate classification (germline): Uncertain significance (1 of 4 stars; one submission).

Allele frequency attached by ClinVar (database versions not stated): gnomAD exomes below 0.00001 and 0.00001; ExAC 0.00001; TOPMed 0.00001.
gnomAD v4.1: 19 of 1,614,190 alleles (0.0012%); highest among the groups gnomAD compares: Non-Finnish European, 0.0016%; no homozygotes.

Submission:

GeneDx
Classification: Uncertain significance. Last evaluated: 2017-05-23. Review status: criteria provided, single submitter. Criteria: GeneDx Variant Classification (06012015). Collection method: clinical testing. Allele origin: germline. Affected: yes.
Comment: The K270E variant in the IFT122 gene has not been reported previously as a pathogenic variant, nor as a benign variant, to our knowledge. The K270E variant is not observed at a significant frequency in large population cohorts (Lek et al., 2016; 1000 Genomes Consortium et al., 2015; Exome Variant Server). The K270E variant is a non-conservative amino acid substitution, which is likely to impact secondary protein structure as these residues differ in polarity, charge, size and/or other properties. This substitution occurs at a position that is not conserved. In silico analysis is inconsistent in its predictions as to whether or not the variant is damaging to the protein structure/function. We interpret K270E as a variant of uncertain significance.

NM_052989.3(IFT122):c.655A>G (p.Lys219Glu)

Gene: IFT122 (intraflagellar transport 122; plus strand). Cytogenetic location: 3q21.3.
Variant type: single nucleotide variant.
Coding change: c.655A>G on transcript NM_052989.3 (MANE Select); coding-DNA position 655, A replaced by G.
Protein change: p.Lys219Glu; replaces lysine 219 with glutamic acid.
Molecular consequence: missense variant. On other transcripts: intron variant (4).
Genome position (GRCh38, 1-based): chr3:129,466,981, A>G. VCF-style: chr3-129466981-A-G. GRCh37 (hg19) VCF-style: chr3-129185824-A-G.
Other names: c.205A>G, p.Lys69Glu (NM_001280545.2); c.808A>G, p.Lys270Glu (NM_052985.4); c.716+2200A>G (NM_001280541.2); c.563+2200A>G (NM_018262.4); c.113+2200A>G (NM_001280546.2); c.407+2200A>G (NM_052990.3); short protein forms K270E, K219E, K69E.
Identifiers: ClinVar variation 430211 (VCV000430211.2), dbSNP rs201630151, ClinGen allele CA2605944.
Genomic context (GRCh38, chr3:129,466,981, plus strand): 5'-AATGAGGATGCCGAGGATGTCATTGTCAACAGATATATTCAGGAAATCCCTTCCACTCTG[A>G]AGTCAGCAGTGTACAGTAGTCAGGGTAGTGAGGCAGAGGAGGAAGAACCAGAGGAAGAGG-3'
Protein context (NP_443715.1, residues 209-229): RYIQEIPSTL[Lys219Glu]SAVYSSQGSE